The following is an entry in ClinVar:

ClinVar aggregate classification (germline): Pathogenic. Review status: criteria provided, single submitter (1 of 4 stars). 2 submissions from 2 submitters: Pathogenic (1). 1 of the submissions does not count toward it. Last evaluated 2023-07-07.

Conditions:
Retinal dystrophy. Also called: Inherited retinal dystrophy. Identifiers: Orphanet 71862, MedGen C0854723, MeSH D058499, MONDO:0019118, HP:0000556.

Submissions (2):

Labcorp Genetics (formerly Invitae), Labcorp
Classification: Pathogenic. Last evaluated: 2023-07-07. Review status: criteria provided, single submitter. Criteria: Invitae Variant Classification Sherloc (09022015). Collection method: clinical testing. Allele origin: germline.
Comment: For these reasons, this variant has been classified as Pathogenic. This variant disrupts the p.Trp93 amino acid residue in BEST1. Other variant(s) that disrupt this residue have been determined to be pathogenic (Invitae). This suggests that this residue is clinically significant, and that variants that disrupt this residue are likely to be disease-causing. Advanced modeling of protein sequence and biophysical properties (such as structural, functional, and spatial information, amino acid conservation, physicochemical variation, residue mobility, and thermodynamic stability) performed at Invitae indicates that this missense variant is expected to disrupt BEST1 protein function. ClinVar contains an entry for this variant (Variation ID: 2070989). This missense change has been observed in individuals with autosomal dominant Best vitelliform macular dystrophy (PMID: 9662395; Invitae). It has also been observed to segregate with disease in related individuals. This variant is not present in population databases (gnomAD no frequency). This sequence change replaces tryptophan, which is neutral and slightly polar, with cysteine, which is neutral and slightly polar, at codon 93 of the BEST1 protein (p.Trp93Cys).

Institute of Human Genetics, Univ. Regensburg, Univ. Regensburg
Classification: Likely pathogenic for Retinal dystrophy. Last evaluated: 2022-01-01. Review status: no assertion criteria provided. Criteria: ACMG Guidelines, 2015. Collection method: clinical testing. Allele origin: germline. Affected: yes. Not counted in ClinVar's aggregate classification.

Literature cited by the submitters: PubMed 9662395 (cited by Labcorp Genetics (formerly Invitae), Labcorp).

NM_004183.4(BEST1):c.279G>T (p.Trp93Cys)

Gene: BEST1 (bestrophin 1; plus strand). Cytogenetic location: 11q12.3.
Variant type: single nucleotide variant.
Coding change: c.279G>T on transcript NM_004183.4 (MANE Select); coding-DNA position 279, G replaced by T.
Protein change: p.Trp93Cys; replaces tryptophan 93 with cysteine.
Molecular consequence: missense variant. On other transcripts: non-coding transcript variant (1).
Genome position (GRCh38, 1-based): chr11:61,955,749, G>T. VCF-style: chr11-61955749-G-T. GRCh37 (hg19) VCF-style: chr11-61723221-G-T.
Other names: c.99G>T, p.Trp33Cys (NM_001139443.3, NM_001300786.2, NM_001300787.2); c.-40G>T (NM_001363591.3); c.279G>T, p.Trp93Cys (NM_001363592.2); c.-897G>T (NM_001363593.3); short protein forms W33C, W93C.
Identifiers: ClinVar variation 2070989 (VCV002070989.5), dbSNP rs28940273, ClinGen allele CA380834047.